The following is an entry in ClinVar:

ClinVar aggregate classification (germline): Uncertain significance (1 of 4 stars; one submission).

Submission:

Labcorp Genetics (formerly Invitae), Labcorp
Classification: Uncertain significance. Last evaluated: 2023-05-27. Review status: criteria provided, single submitter. Criteria: Invitae Variant Classification Sherloc (09022015). Collection method: clinical testing. Allele origin: germline.
Comment: This sequence change replaces serine, which is neutral and polar, with phenylalanine, which is neutral and non-polar, at codon 256 of the CTNNA1 protein (p.Ser256Phe). This variant is not present in population databases (gnomAD no frequency). This variant has not been reported in the literature in individuals affected with CTNNA1-related conditions. ClinVar contains an entry for this variant (Variation ID: 2099302). Advanced modeling of protein sequence and biophysical properties (such as structural, functional, and spatial information, amino acid conservation, physicochemical variation, residue mobility, and thermodynamic stability) has been performed at Invitae for this missense variant, however the output from this modeling did not meet the statistical confidence thresholds required to predict the impact of this variant on CTNNA1 protein function. In summary, the available evidence is currently insufficient to determine the role of this variant in disease. Therefore, it has been classified as a Variant of Uncertain Significance.

NM_001903.5(CTNNA1):c.767C>T (p.Ser256Phe)

Gene: CTNNA1 (catenin alpha 1; plus strand). Cytogenetic location: 5q31.2.
Variant type: single nucleotide variant.
Coding change: c.767C>T on transcript NM_001903.5 (MANE Select); coding-DNA position 767, C replaced by T.
Protein change: p.Ser256Phe; replaces serine 256 with phenylalanine.
Molecular consequence: missense variant.
Genome position (GRCh38, 1-based): chr5:138,824,708, C>T. VCF-style: chr5-138824708-C-T. GRCh37 (hg19) VCF-style: chr5-138160397-C-T.
Other names: c.767C>T, p.Ser256Phe (NM_001290307.3, NM_001323982.2, NM_001323983.1 and 3 more transcripts); c.458C>T, p.Ser153Phe (NM_001290309.3); c.398C>T, p.Ser133Phe (NM_001290310.3); short protein forms S133F, S153F, S256F.
Identifiers: ClinVar variation 2099302 (VCV002099302.4), dbSNP rs2532425463, ClinGen allele CA361129965.